The following is an entry in ClinVar:

NM_153006.3(NAGS):c.374C>A (p.Thr125Lys)

Gene: NAGS (N-acetylglutamate synthase; plus strand). Cytogenetic location: 17q21.31.
Variant type: single nucleotide variant.
Coding change: c.374C>A on transcript NM_153006.3 (MANE Select); coding-DNA position 374, C replaced by A.
Protein change: p.Thr125Lys; replaces threonine 125 with lysine.
Molecular consequence: missense variant.
Genome position (GRCh38, 1-based): chr17:44,005,037, C>A. VCF-style: chr17-44005037-C-A. GRCh37 (hg19) VCF-style: chr17-42082405-C-A.
Other names: short protein forms T125K.
Identifiers: ClinVar variation 377250 (VCV000377250.49), dbSNP rs185863881, ClinGen allele CA8595125.

ClinVar aggregate classification (germline): Conflicting classifications of pathogenicity. Review status: criteria provided, conflicting classifications (1 of 4 stars). 9 submissions from 9 submitters: Uncertain significance (1); Likely benign (6). 2 of the submissions do not count toward it. Last evaluated 2026-06-01.

Conditions:
Hyperammonemia, type III (NAGSD). Also called: Hyperammonemia due to N-acetylglutamate synthase deficiency. Identifiers: Orphanet 927, MedGen C0268543, MONDO:0009377, OMIM 237310.
NAGS-related disorder. Also called: NAGS-related condition.

Allele frequency attached by ClinVar (database versions not stated): 1000 Genomes Project 0.00100; 1000 Genomes Project 30x 0.00125; ESP Exome Variant Server 0.00157; gnomAD 0.00187 and 0.00198; TOPMed 0.00213; gnomAD exomes 0.00272 and 0.00355; ExAC 0.00628.

Submissions (9):

CeGaT Center for Human Genetics Tuebingen
Classification: Likely benign. Last evaluated: 2026-06-01. Review status: criteria provided, single submitter. Criteria: CeGaT Center For Human Genetics Tuebingen Variant Classification Criteria Version 2. Collection method: clinical testing. Allele origin: germline. Affected: yes. Observed: 2 variant alleles.
Comment: NAGS: BP4, BS2

Labcorp Genetics (formerly Invitae), Labcorp
Classification: Likely benign for Hyperammonemia, type III. Last evaluated: 2026-02-04. Review status: criteria provided, single submitter. Criteria: Invitae Variant Classification Sherloc (09022015). Collection method: clinical testing. Allele origin: germline.

Blueprint Genetics
Classification: Likely benign. Last evaluated: 2024-11-11. Review status: criteria provided, single submitter. Criteria: ACMG Guidelines, 2015. Collection method: clinical testing. Allele origin: germline.

Elsea Laboratory, Baylor College of Medicine
Classification: Uncertain significance for Hyperammonemia, type III. Last evaluated: 2020-04-01. Review status: criteria provided, single submitter. Criteria: ACMG Guidelines, 2015. Collection method: clinical testing. Allele origin: paternal. Affected: no.

Illumina Laboratory Services, Illumina
Classification: Likely benign for Hyperammonemia, type III. Last evaluated: 2018-01-13. Review status: criteria provided, single submitter. Criteria: ICSL Variant Classification Criteria 13 December 2019. Collection method: clinical testing. Allele origin: germline.
Comment: This variant was observed in the ICSL laboratory as part of a predisposition screen in an ostensibly healthy population. It had not been previously curated by ICSL or reported in the Human Gene Mutation Database (HGMD: prior to June 1st, 2018), and was therefore a candidate for classification through an automated scoring system. Utilizing variant allele frequency, disease prevalence and penetrance estimates, and inheritance mode, an automated score was calculated to assess if this variant is too frequent to cause the disease. Based on the score and internal cut-off values, a variant classified as likely benign is not then subjected to further curation. The score for this variant resulted in a classification of likely benign for this disease.

GeneDx
Classification: Likely benign. Last evaluated: 2017-12-26. Review status: criteria provided, single submitter. Criteria: GeneDx Variant Classification (06012015). Collection method: clinical testing. Allele origin: germline. Affected: yes.
Comment: This variant is considered likely benign or benign based on one or more of the following criteria: it is a conservative change, it occurs at a poorly conserved position in the protein, it is predicted to be benign by multiple in silico algorithms, and/or has population frequency not consistent with disease.

Center for Pediatric Genomic Medicine, Children's Mercy Hospital and Clinics
Classification: Likely benign. Last evaluated: 2016-09-15. Review status: criteria provided, single submitter. Criteria: ACMG Guidelines, 2015. Collection method: clinical testing. Allele origin: germline.
ClinVar note: Converted during submission from Likely Benign to Likely benign.

PreventionGenetics, part of Exact Sciences
Classification: Likely benign for NAGS-related condition. Last evaluated: 2024-07-01. Review status: no assertion criteria provided. Collection method: clinical testing. Allele origin: germline. Not counted in ClinVar's aggregate classification.
Comment: This variant is classified as likely benign based on ACMG/AMP sequence variant interpretation guidelines (Richards et al. 2015 PMID: 25741868, with internal and published modifications).

Natera, Inc.
Classification: Benign for Hyperammonemia type III. Last evaluated: 2019-12-18. Review status: no assertion criteria provided. Collection method: clinical testing. Allele origin: germline. Not counted in ClinVar's aggregate classification.